The following is an entry in ClinVar:

ClinVar aggregate classification (germline): Conflicting classifications of pathogenicity. Review status: criteria provided, conflicting classifications (1 of 4 stars). 5 submissions from 5 submitters: Uncertain significance (3); Likely benign (1). 1 of the submissions does not count toward it. Last evaluated 2026-09-01.

Conditions:
Nemaline myopathy 2 (NEM2). Also called: Nemaline myopathy 2, autosomal recessive. Identifiers: MedGen C1850569, MONDO:0009725, OMIM 256030.

Allele frequency attached by ClinVar (database versions not stated): TOPMed below 0.00001; gnomAD exomes 0.00003; ExAC 0.00005.
gnomAD v4.1: 29 of 1,613,832 alleles (0.0018%); highest among the groups gnomAD compares: Non-Finnish European, 0.0023%; no homozygotes.

Submissions (5):

CeGaT Center for Human Genetics Tuebingen
Classification: Uncertain significance. Last evaluated: 2026-09-01. Review status: criteria provided, single submitter. Criteria: CeGaT Center For Human Genetics Tuebingen Variant Classification Criteria Version 2. Collection method: clinical testing. Allele origin: germline. Affected: yes. Observed: 1 variant allele.

Revvity Omics, Revvity
Classification: Uncertain significance. Last evaluated: 2024-12-13. Review status: criteria provided, single submitter. Criteria: ACMG Guidelines, 2015. Collection method: clinical testing. Allele origin: germline.

Labcorp Genetics (formerly Invitae), Labcorp
Classification: Likely benign for Nemaline myopathy 2. Last evaluated: 2023-11-11. Review status: criteria provided, single submitter. Criteria: Invitae Variant Classification Sherloc (09022015). Collection method: clinical testing. Allele origin: germline.

GeneDx
Classification: Uncertain significance. Last evaluated: 2017-04-11. Review status: criteria provided, single submitter. Criteria: GeneDx Variant Classification (06012015). Collection method: clinical testing. Allele origin: germline. Affected: yes.
Comment: The W2418R variant has not been published as a pathogenic variant, nor has it been reported as a benign variant to our knowledge. The W2418R variant is observed in 6/66684 (0.01%) alleles from individuals of European background (Lek et al., 2016; 1000 Genomes Consortium et al., 2015; Exome Variant Server). This variant is a non-conservative amino acid substitution, which is likely to impact secondary protein structure as these residues differ in polarity, charge, size and/or other properties. This substitution occurs at a position that is conserved in mammals, and in silico analysis predicts this variant is probably damaging to the protein structure/function. However, missense variants in nearby residues have not been reported in the Human Gene Mutation Database in association with nemaline myopathy (Stenson et al., 2014).

Natera, Inc.
Classification: Uncertain significance for Nemaline myopathy type 2. Last evaluated: 2021-03-20. Review status: no assertion criteria provided. Collection method: clinical testing. Allele origin: germline. Not counted in ClinVar's aggregate classification.

NM_001164508.2(NEB):c.7252T>A (p.Trp2418Arg)

Gene: NEB (nebulin; minus strand). Cytogenetic location: 2q23.3.
Variant type: single nucleotide variant.
Coding change: c.7252T>A on transcript NM_001164508.2 (MANE Select); coding-DNA position 7252, T replaced by A.
Protein change: p.Trp2418Arg; replaces tryptophan 2418 with arginine.
Molecular consequence: missense variant.
Genome position (GRCh38, 1-based): chr2:151,650,355, A>T on the plus strand (T>A on the coding strand, the complement: NEB is on the minus strand). VCF-style: chr2-151650355-A-T. GRCh37 (hg19) VCF-style: chr2-152506869-A-T.
Other names: c.7252T>A, p.Trp2418Arg (NM_001164507.2, NM_001271208.2, NM_004543.5); short protein forms W2418R.
Identifiers: ClinVar variation 426583 (VCV000426583.17), dbSNP rs780437384, ClinGen allele CA1909890.
Genomic context (GRCh38, chr2:151,650,355, plus strand): 5'-CCCGCTTGTTCTTTTCTGCCTCTAAAGAACCCAAGGGACTCCATCCTATGCCTCTCAGCC[A>T]CTCAAGGTCAGATTTATATAGATTCTGTGAAAAGACAGAGCAAGCCATCAAAATCCCATT-3'
Protein context (NP_001157980.2, residues 2408-2428): SENLYKSDLE[Trp2418Arg]LRGIGWSPLG